The following is an entry in ClinVar:

NM_000419.5(ITGA2B):c.2315C>G (p.Pro772Arg)

Gene: ITGA2B (integrin subunit alpha 2b; minus strand). Cytogenetic location: 17q21.31.
Variant type: single nucleotide variant.
Coding change: c.2315C>G on transcript NM_000419.5 (MANE Select); coding-DNA position 2315, C replaced by G.
Protein change: p.Pro772Arg; replaces proline 772 with arginine.
Molecular consequence: missense variant.
Genome position (GRCh38, 1-based): chr17:44,376,341, G>C on the plus strand (C>G on the coding strand, the complement: ITGA2B is on the minus strand). VCF-style: chr17-44376341-G-C. GRCh37 (hg19) VCF-style: chr17-42453709-G-C.
Other names: NM_000419.5:c.2315C>G; short protein forms P772R.
Identifiers: ClinVar variation 2498355 (VCV002498355.7), dbSNP rs531356248, ClinGen allele CA8602740.

ClinVar aggregate classification (germline): Uncertain significance. Review status: reviewed by expert panel (3 of 4 stars). 4 submissions from 4 submitters: Uncertain significance (1). 3 of the submissions do not count toward it. Last evaluated 2023-01-17.

Conditions:
Glanzmann thrombasthenia. Also called: Thrombasthenia; THROMBASTHENIA OF GLANZMANN AND NAEGELI; Glanzmann's thrombasthenia; PLATELET GLYCOPROTEIN IIb-IIIa DEFICIENCY. Identifiers: Orphanet 849, MedGen C0040015, MONDO:0100326.
Glanzmann thrombasthenia 1 (GT1). Also called: BLEEDING DISORDER, PLATELET-TYPE, 2; GP IIb-IIIa COMPLEX DEFICIENCY; GLYCOPROTEIN COMPLEX IIb-IIIa DEFICIENCY; PLATELET FIBRINOGEN RECEPTOR DEFICIENCY. Identifiers: MedGen CN300358, MONDO:0031332, OMIM 273800.

Allele frequency attached by ClinVar (database versions not stated): 1000 Genomes Project 30x 0.00016; 1000 Genomes Project 0.00020.
gnomAD v4.1: 28 of 1,614,182 alleles (0.0017%); highest among the groups gnomAD compares: South Asian, 0.024%; no homozygotes.

Submissions (4):

ClinGen Platelet Disorders Variant Curation Expert Panel, ClinGen
Classification: Uncertain significance for Glanzmann thrombasthenia. Last evaluated: 2023-01-17. Review status: reviewed by expert panel. Criteria: ClinGen Platelet ACMG Specifications v2-1. Collection method: curation. Allele origin: germline. Inheritance: Autosomal recessive inheritance.
Comment: The NM_000419.5(ITGA2B):c.2315C>G (p.Pro772Arg) missense variant has been reported in at least one patient (Patient 7 in PMID:19172520/GT database record 164) who displayed mucocutaneous bleeding and impaired aggregation with all agonists except ristocetin, which is highly specific for Glanzmann thrombasthenia (PP4_moderate). Additionally, αIIbβ3 surface expression was reduced to <10%, as measured by flow cytometry. In summary, this variant meets the criteria to be classified as uncertain significance for autosomal recessive Glanzmann Thrombasthenia based on the ACMG/AMP criteria applied, as specified by the ClinGen PD VCEP: PP4_Moderate (VCEP specifications version 2.1).

Labcorp Genetics (formerly Invitae), Labcorp
Classification: Uncertain significance for Glanzmann thrombasthenia. Last evaluated: 2025-12-15. Review status: criteria provided, single submitter. Criteria: Invitae Variant Classification Sherloc (09022015). Collection method: clinical testing. Allele origin: germline. Not counted in ClinVar's aggregate classification.
Comment: This sequence change replaces proline, which is neutral and non-polar, with arginine, which is basic and polar, at codon 772 of the ITGA2B protein (p.Pro772Arg). This variant is present in population databases (rs531356248, gnomAD 0.03%). This missense change has been observed in individual(s) with Glanzmann thrombasthenia (PMID: 19172520, 25275492). This variant is also known as P741R. ClinVar contains an entry for this variant (Variation ID: 2498355). Invitae Evidence Modeling of protein sequence and biophysical properties (such as structural, functional, and spatial information, amino acid conservation, physicochemical variation, residue mobility, and thermodynamic stability) has been performed for this missense variant. However, the output from this modeling did not meet the statistical confidence thresholds required to predict the impact of this variant on ITGA2B protein function. Studies have shown that this missense change alters ITGA2B gene expression (PMID: 28808266). In summary, the available evidence is currently insufficient to determine the role of this variant in disease. Therefore, it has been classified as a Variant of Uncertain Significance.

Women's Health and Genetics/Laboratory Corporation of America, LabCorp
Classification: Likely pathogenic for Glanzmann thrombasthenia 1. Last evaluated: 2024-09-24. Review status: criteria provided, single submitter. Criteria: LabCorp Variant Classification Summary - May 2015. Collection method: clinical testing. Allele origin: germline. Not counted in ClinVar's aggregate classification.
Comment: Variant summary: ITGA2B c.2315C>G (p.Pro772Arg), also reported as P741R, results in a non-conservative amino acid change located in the Integrin alpha, second immunoglobulin-like domain (IPR048285) of the encoded protein sequence. Three of five in-silico tools predict a damaging effect of the variant on protein function. The variant allele was found at a frequency of 4e-05 in 251464 control chromosomes. This frequency is not significantly higher than estimated for a pathogenic variant in ITGA2B causing Glanzmann thrombasthenia 1, allowing no conclusion about variant significance. c.2315C>G has been reported in the literature in the homozygous state in at least 1 individual affected with autosomal recessive Glanzmann thrombasthenia 1 (example, Kulkarni_2014, Vijapurkar_2009). These data indicate that the variant may be associated with disease. At least one publication reports experimental evidence evaluating an impact on protein function. The most pronounced variant effect results in <10% of normal protein expression (example, Goguet_2017). The following publications have been ascertained in the context of this evaluation (PMID: 28808266, 25275492, 19172520). ClinVar contains an entry for this variant (Variation ID: 2498355). Based on the evidence outlined above, the variant was classified as likely pathogenic.

Blueprint Genetics
Classification: Uncertain significance. Last evaluated: 2023-10-31. Review status: criteria provided, single submitter. Criteria: ACMG Guidelines, 2015. Collection method: clinical testing. Allele origin: germline. Not counted in ClinVar's aggregate classification.

Literature cited by the submitters: PubMed 19172520 (cited by Labcorp Genetics (formerly Invitae), Labcorp and Women's Health and Genetics/Laboratory Corporation of America, LabCorp); PubMed 25275492 (cited by Labcorp Genetics (formerly Invitae), Labcorp and Women's Health and Genetics/Laboratory Corporation of America, LabCorp); PubMed 28808266 (cited by Labcorp Genetics (formerly Invitae), Labcorp and Women's Health and Genetics/Laboratory Corporation of America, LabCorp).